The following is an entry in ClinVar:

NM_004562.3(PRKN):c.664A>T (p.Thr222Ser)

Gene: PRKN (parkin RBR E3 ubiquitin protein ligase; minus strand). Cytogenetic location: 6q26.
Variant type: single nucleotide variant.
Coding change: c.664A>T on transcript NM_004562.3 (MANE Select); coding-DNA position 664, A replaced by T.
Protein change: p.Thr222Ser; replaces threonine 222 with serine.
Molecular consequence: missense variant.
Genome position (GRCh38, 1-based): chr6:161,973,372, T>A on the plus strand (A>T on the coding strand, the complement: PRKN is on the minus strand). VCF-style: chr6-161973372-T-A. GRCh37 (hg19) VCF-style: chr6-162394404-T-A.
Other names: c.580A>T, p.Thr194Ser (NM_013987.3); c.217A>T, p.Thr73Ser (NM_013988.3); short protein forms T194S, T222S, T73S.
Identifiers: ClinVar variation 3774117 (VCV003774117.1).

ClinVar aggregate classification (germline): Uncertain significance (1 of 4 stars; one submission).

Submission:

GeneDx
Classification: Uncertain significance. Last evaluated: 2024-09-20. Review status: criteria provided, single submitter. Criteria: GeneDx Variant Classification Process June 2021. Collection method: clinical testing. Allele origin: germline. Affected: yes.
Comment: Not observed at significant frequency in large population cohorts (gnomAD); In silico analysis indicates that this missense variant does not alter protein structure/function; Has not been previously published as pathogenic or benign to our knowledge